The following is an entry in ClinVar:

NM_000548.5(TSC2):c.4049A>T (p.Glu1350Val)

Gene: TSC2 (TSC complex subunit 2; plus strand). Cytogenetic location: 16p13.3.
Variant type: single nucleotide variant.
Coding change: c.4049A>T on transcript NM_000548.5 (MANE Select); coding-DNA position 4049, A replaced by T.
Protein change: p.Glu1350Val; replaces glutamic acid 1350 with valine.
Molecular consequence: missense variant.
Genome position (GRCh38, 1-based): chr16:2,084,271, A>T. VCF-style: chr16-2084271-A-T. GRCh37 (hg19) VCF-style: chr16-2134272-A-T.
Other names: c.4049A>T (NM_000548.4); c.3848A>T, p.Glu1283Val (NM_001077183.3); c.3980A>T, p.Glu1327Val (NM_001114382.3); c.3740A>T, p.Glu1247Val (NM_001318827.2); c.3704A>T, p.Glu1235Val (NM_001318829.2); c.3317A>T, p.Glu1106Val (NM_001318831.2); c.3881A>T, p.Glu1294Val (NM_001318832.2); c.3851A>T, p.Glu1284Val (NM_001363528.2); and 2 more; short protein forms E1235V, E1283V, E1294V, E1350V, E1106V, E1306V, E1307V, E1247V.
Identifiers: ClinVar variation 950089 (VCV000950089.13), dbSNP rs1378842608, ClinGen allele CA394299324.

ClinVar aggregate classification (germline): Conflicting classifications of pathogenicity. Review status: criteria provided, conflicting classifications (1 of 4 stars). 4 submissions from 4 submitters: Uncertain significance (3); Benign (1). Last evaluated 2025-10-08.

Conditions:
TSC2-related disorder. Also called: TSC2-related condition; TSC2-Related Disorders.
Hereditary cancer-predisposing syndrome. Also called: Hereditary neoplastic syndrome; Tumor predisposition; Neoplastic Syndromes, Hereditary; Hereditary Cancer Syndrome. Identifiers: Orphanet 140162, MedGen C0027672, MeSH D009386, MONDO:0015356.
Tuberous sclerosis 2 (TSC2). Identifiers: Orphanet 805, MedGen C1860707, MONDO:0013199, OMIM 613254.

Allele frequency attached by ClinVar (database versions not stated): gnomAD exomes below 0.00001; TOPMed 0.00002.
gnomAD v4.1: 1 of 1,610,128 alleles (0.000062%); highest among the groups gnomAD compares: African/African-American, 0.0013%; no homozygotes.

Submissions (4):

Labcorp Genetics (formerly Invitae), Labcorp
Classification: Benign for Tuberous sclerosis 2. Last evaluated: 2025-10-08. Review status: criteria provided, single submitter. Criteria: Invitae Variant Classification Sherloc (09022015). Collection method: clinical testing. Allele origin: germline.

Ambry Genetics
Classification: Uncertain significance for Hereditary cancer-predisposing syndrome. Last evaluated: 2025-06-08. Review status: criteria provided, single submitter. Criteria: Ambry Variant Classification Scheme 2023. Collection method: clinical testing. Allele origin: germline.
Comment: The p.E1350V variant (also known as c.4049A>T), located in coding exon 33 of the TSC2 gene, results from an A to T substitution at nucleotide position 4049. The glutamic acid at codon 1350 is replaced by valine, an amino acid with dissimilar properties. This amino acid position is well conserved in available vertebrate species. In addition, this alteration is predicted to be deleterious by in silico analysis. Since supporting evidence is limited at this time, the clinical significance of this alteration remains unclear.

GeneDx
Classification: Uncertain significance. Last evaluated: 2023-09-05. Review status: criteria provided, single submitter. Criteria: GeneDx Variant Classification Process June 2021. Collection method: clinical testing. Allele origin: germline. Affected: yes.
Comment: Not observed at significant frequency in large population cohorts (gnomAD); In silico analysis supports that this missense variant has a deleterious effect on protein structure/function; Has not been previously published as pathogenic or benign to our knowledge

PreventionGenetics, part of Exact Sciences
Classification: Uncertain significance for TSC2-related condition. Last evaluated: 2023-01-27. Review status: criteria provided, single submitter. Criteria: ACMG Guidelines, 2015. Collection method: clinical testing. Allele origin: germline.
Comment: The TSC2 c.4049A>T variant is predicted to result in the amino acid substitution p.Glu1350Val. To our knowledge, this variant has not been reported in the literature or in a large population database, indicating this variant is rare. It is interpreted as uncertain significance in ClinVar. At this time, the clinical significance of this variant is uncertain due to the absence of conclusive functional and genetic evidence.